The following is an entry in ClinVar:

NM_017617.5(NOTCH1):c.6691C>T (p.Leu2231Phe)

Gene: NOTCH1 (notch receptor 1; minus strand). Cytogenetic location: 9q34.3.
Variant type: single nucleotide variant.
Coding change: c.6691C>T on transcript NM_017617.5 (MANE Select); coding-DNA position 6691, C replaced by T.
Protein change: p.Leu2231Phe; replaces leucine 2231 with phenylalanine.
Molecular consequence: missense variant.
Genome position (GRCh38, 1-based): chr9:136,497,048, G>A on the plus strand (C>T on the coding strand, the complement: NOTCH1 is on the minus strand). VCF-style: chr9-136497048-G-A. GRCh37 (hg19) VCF-style: chr9-139391500-G-A.
Other names: short protein forms L2231F.
Identifiers: ClinVar variation 3406915 (VCV003406915.3).
Genomic context (GRCh38, chr9:136,497,048, plus strand): 5'-CCGCCACGTTCAGGTGCCCGATGCCCAGGTGGGTGTCGGGCATCCCAGGCAGGTGGTTGA[G>A]GGGCACGGACGGAGACTGCTGGAACGGGGAGGGCAGCAGTGGCGGCGAGGCCACGTCTGA-3'
Protein context (NP_060087.3, residues 2221-2241): SPFQQSPSVP[Leu2231Phe]NHLPGMPDTH

ClinVar aggregate classification (germline): Uncertain significance. Review status: criteria provided, multiple submitters, no conflicts (2 of 4 stars). 2 submissions from 2 submitters: Uncertain significance (2). Last evaluated 2024-11-05.

Conditions:
Adams-Oliver syndrome 5 (AOS5). Identifiers: Orphanet 974, MedGen C4014970, MONDO:0014459, OMIM 616028.
Familial thoracic aortic aneurysm and aortic dissection (TAAD). Also called: Thoracic aortic aneurysms and dissections. Identifiers: Orphanet 91387, MedGen C4707243, MONDO:0019625.

Submissions (2):

Ambry Genetics
Classification: Uncertain significance for Familial thoracic aortic aneurysm and aortic dissection. Last evaluated: 2024-11-05. Review status: criteria provided, single submitter. Criteria: Ambry Variant Classification Scheme 2023. Collection method: clinical testing. Allele origin: germline.
Comment: The p.L2231F variant (also known as c.6691C>T), located in coding exon 34 of the NOTCH1 gene, results from a C to T substitution at nucleotide position 6691. The leucine at codon 2231 is replaced by phenylalanine, an amino acid with highly similar properties. This amino acid position is conserved. In addition, the in silico prediction for this alteration is inconclusive. Based on the available evidence, the clinical significance of this variant remains unclear.

Labcorp Genetics (formerly Invitae), Labcorp
Classification: Uncertain significance for Adams-Oliver syndrome 5. Last evaluated: 2024-02-15. Review status: criteria provided, single submitter. Criteria: Invitae Variant Classification Sherloc (09022015). Collection method: clinical testing. Allele origin: germline.
Comment: This sequence change replaces leucine, which is neutral and non-polar, with phenylalanine, which is neutral and non-polar, at codon 2231 of the NOTCH1 protein (p.Leu2231Phe). This variant is not present in population databases (gnomAD no frequency). This variant has not been reported in the literature in individuals affected with NOTCH1-related conditions. Advanced modeling of protein sequence and biophysical properties (such as structural, functional, and spatial information, amino acid conservation, physicochemical variation, residue mobility, and thermodynamic stability) performed at Invitae indicates that this missense variant is not expected to disrupt NOTCH1 protein function with a negative predictive value of 95%. In summary, the available evidence is currently insufficient to determine the role of this variant in disease. Therefore, it has been classified as a Variant of Uncertain Significance.